The following is an entry in ClinVar:

NM_007294.4(BRCA1):c.4932A>T (p.Glu1644Asp)

Gene: BRCA1 (BRCA1 DNA repair associated; minus strand). Cytogenetic location: 17q21.31.
Variant type: single nucleotide variant.
Coding change: c.4932A>T on transcript NM_007294.4 (MANE Select); coding-DNA position 4932, A replaced by T.
Protein change: p.Glu1644Asp; replaces glutamic acid 1644 with aspartic acid.
Molecular consequence: missense variant. On other transcripts: non-coding transcript variant (1).
Genome position (GRCh38, 1-based): chr17:43,070,982, T>A on the plus strand (A>T on the coding strand, the complement: BRCA1 is on the minus strand). VCF-style: chr17-43070982-T-A. GRCh37 (hg19) VCF-style: chr17-41222999-T-A.
Other names: c.4719A>T, p.Glu1573Asp (NM_001407571.1, NM_001407894.1, NM_001407895.1 and 12 more transcripts); c.4998A>T, p.Glu1666Asp (NM_001407581.1, NM_001407582.1); c.4995A>T, p.Glu1665Asp (NM_001407583.1, NM_001407585.1, NM_001407587.1 and 1 more transcripts); c.4992A>T, p.Glu1664Asp (NM_001407590.1, NM_001407591.1); c.4932A>T, p.Glu1644Asp (NM_001407593.1, NM_001407594.1, NM_001407596.1 and 8 more transcripts); c.4929A>T, p.Glu1643Asp (NM_001407610.1, NM_001407611.1, NM_001407622.1 and 17 more transcripts); c.4926A>T, p.Glu1642Asp (NM_001407627.1, NM_001407628.1, NM_001407629.1 and 14 more transcripts); c.4923A>T, p.Glu1641Asp (NM_001407644.1, NM_001407645.1); and 70 more; short protein forms E540D, E1597D, E1644D, E1665D, E1347D, E1348D, E1475D, E1515D.
Identifiers: ClinVar variation 868422 (VCV000868422.3), dbSNP rs2052374025, ClinGen allele CA10591658.

Conditions:
Breast-ovarian cancer, familial, susceptibility to, 1 (BROVCA1). Also called: BRCA1 Hereditary Breast and Ovarian Cancer; OVARIAN CANCER, SUSCEPTIBILITY TO. Identifiers: Orphanet 145, MedGen C2676676, MONDO:0011450, OMIM 604370. Disease mechanism: loss of function.

Submission:

Brotman Baty Institute, University of Washington
No classification provided (evidence only). Condition: Breast-ovarian cancer, familial 1. Review status: no classification provided. Collection method: in vitro. Allele origin: not applicable. Functional consequence: functionally_normal.
ClinVar note: "not provided" was previously submitted as the classification for the variant. However, the classification appeared to be based only on an observation of functional data so it was converted to no classification on 2025-07-30.